The following continues an entry in ClinVar:

NM_001142800.2(EYS):c.2137+1G>A

Gene: EYS. ClinVar aggregate classification (germline): Conflicting classifications of pathogenicity. Pathogenic (7); Likely pathogenic (12); Uncertain significance (2).

Submissions 13 to 25 of 25:

Victorian Clinical Genetics Services, Murdoch Childrens Research Institute
Classification: Pathogenic for Retinitis pigmentosa 25. Last evaluated: 2023-12-21. Review status: criteria provided, single submitter. Criteria: ACMG Guidelines, 2015. Collection method: clinical testing. Allele origin: germline. Inheritance: Autosomal recessive inheritance. Affected: yes.
Comment: Based on the classification scheme VCGS_Germline_v1.3.4, this variant is classified as Pathogenic. Following criteria are met: 0102 - Loss of function is a known mechanism of disease in this gene and is associated with retinitis pigmentosa 25 (MIM#602772). (I) 0106 - This gene is associated with autosomal recessive disease. (I) 0211 - Canonical splice site variant without proven consequence on splicing (no functional evidence available). (SP) 0251 - This variant is heterozygous. (I) 0304 - Variant is present in gnomAD <0.01 for a recessive condition (v2: 123 heterozygotes, 1 homozygote). (SP) 0505 - Abnormal splicing is predicted by in silico tools and affected nucleotide is highly conserved. (SP) 0801 - This variant has strong previous evidence of pathogenicity in unrelated individuals. It has been reported in multiple retinitis pigmentosa individuals, including homozygotes, and is classified as likely pathogenic/pathogenic by diagnostic laboratories in ClinVar (PMIDs: 28704921, 32728228). (SP) 1208 - Inheritance information for this variant is not currently available in this individual. (I) Legend: (SP) - Supporting pathogenic, (I) - Information, (SB) - Supporting benign

Department of Pathology and Laboratory Medicine, Sinai Health System
Classification: Likely pathogenic for EYS-related retinopathy. Last evaluated: 2023-09-18. Review status: criteria provided, single submitter. Criteria: ACMG Guidelines, 2015. Collection method: research. Allele origin: germline.

Institute of Human Genetics, Univ. Regensburg, Univ. Regensburg
Classification: Likely pathogenic for Retinal dystrophy. Last evaluated: 2023-01-01. Review status: criteria provided, single submitter. Criteria: ACMG Guidelines, 2015. Collection method: clinical testing. Allele origin: germline. Affected: yes.

Women's Health and Genetics/Laboratory Corporation of America, LabCorp
Classification: Pathogenic for Retinitis pigmentosa. Last evaluated: 2022-06-07. Review status: criteria provided, single submitter. Criteria: LabCorp Variant Classification Summary - May 2015. Collection method: clinical testing. Allele origin: germline.
Comment: Variant summary: EYS c.2137+1G>A is located in a canonical splice-site and is predicted to affect mRNA splicing resulting in a significantly altered protein due to either exon skipping, shortening, or inclusion of intronic material. Several computational tools predict a significant impact on normal splicing: Four predict the variant abolishes a 5' splicing donor site. The variant allele was found at a frequency of 0.00074 in 156184 control chromosomes in the gnomAD database, including 1 homozygote. This frequency is not significantly higher than expected for a pathogenic variant in EYS causing Retinitis Pigmentosa (0.00074 vs 0.0034). The variant, c.2137+1G>A, has been reported in the literature in the homozygous and compound heterozygous state in individuals affected with Retinitis Pigmentosa (example McGuigan_2017, Jespersgaard_2019, Sharon_2020, Colombo_2021). These data indicate that the variant is likely to be associated with disease. To our knowledge, no experimental evidence demonstrating an impact on protein function has been reported. There have been 13 assessments for this variant submitted to ClinVar after 2014. Five classified the variant as pathogenic, seven as likely pathogenic, and one as VUS. Based on the evidence outlined above, the variant was classified as pathogenic.

Genetics and Molecular Pathology, SA Pathology
Classification: Likely pathogenic for Retinitis pigmentosa 25. Last evaluated: 2022-05-09. Review status: criteria provided, single submitter. Criteria: ACMG Guidelines, 2015. Collection method: clinical testing. Allele origin: germline. Affected: yes.

Institute of Medical Genetics and Applied Genomics, University Hospital Tübingen
Classification: Likely pathogenic. Last evaluated: 2020-10-23. Review status: criteria provided, single submitter. Criteria: ACMG Guidelines, 2015. Collection method: clinical testing. Allele origin: germline. Inheritance: Autosomal recessive inheritance. Affected: yes.

CeGaT Center for Human Genetics Tuebingen
Classification: Pathogenic. Last evaluated: 2019-10-01. Review status: criteria provided, single submitter. Criteria: CeGaT Center For Human Genetics Tuebingen Variant Classification Criteria Version 2. Collection method: clinical testing. Allele origin: germline. Affected: yes. Observed: 2 variant alleles.

Fulgent Genetics
Classification: Likely pathogenic for Retinitis pigmentosa 25. Last evaluated: 2018-10-31. Review status: criteria provided, single submitter. Criteria: ACMG Guidelines, 2015. Collection method: clinical testing. Allele origin: unknown.

Kariminejad - Najmabadi Pathology & Genetics Center
Classification: Likely pathogenic for Retinitis pigmentosa 25. Review status: criteria provided, single submitter. Criteria: ACMG Guidelines, 2015. Collection method: clinical testing. Allele origin: germline. Affected: no.

Biochemical Molecular Genetic Laboratory, King Abdulaziz Medical City
Classification: Likely pathogenic for Retinitis pigmentosa 25. Last evaluated: 2020-10-11. Review status: no assertion criteria provided. Collection method: clinical testing. Allele origin: germline. Affected: yes. Not counted in ClinVar's aggregate classification.

Reproductive Health Research and Development, BGI Genomics
Classification: Pathogenic for Retinitis pigmentosa 25. Last evaluated: 2020-01-06. Review status: no assertion criteria provided. Collection method: curation. Allele origin: germline. Not counted in ClinVar's aggregate classification.
Comment: NG_023443.2(NM_001142800.1):c.2137+1G>A in the EYS gene has an allele frequency of 0.009 in Ashkenazi Jewish subpopulation in the gnomAD database. This sequence change affects a donor splice site in intron 13 of the EYS gene. It is expected to disrupt RNA splicing and likely results in an absent or disrupted protein product. This variant has been observed as homozygous in an individual affected with retinitis pigmentosa (PMID: 28704921). Taken together, we interprete this variant as Pathogenic/Likely pathogenic. ACMG/AMP Criteria applied: PVS1; PM3_Supporting; PP4.

Sharon lab, Hadassah-Hebrew University Medical Center
Classification: Pathogenic for Retinitis pigmentosa. Last evaluated: 2019-06-23. Review status: no assertion criteria provided. Collection method: research. Allele origin: inherited. Affected: yes. Not counted in ClinVar's aggregate classification.

Department of Clinical Genetics, Copenhagen University Hospital, Rigshospitalet
Classification: Likely pathogenic for Retinitis pigmentosa. Last evaluated: 2018-04-01. Review status: no assertion criteria provided. Collection method: research. Allele origin: unknown. Affected: yes. Study: VeluxRD. Not counted in ClinVar's aggregate classification.

Literature cited by the submitters: PubMed 38465142 (cited by Dasa and Natera, Inc.); PubMed 37644014 (cited by Dasa); PubMed 28704921 (cited by 7 submitters); PubMed 16199547 (cited by Labcorp Genetics (formerly Invitae), Labcorp); PubMed 18836446 (cited by Labcorp Genetics (formerly Invitae), Labcorp); PubMed 20333770 (cited by Labcorp Genetics (formerly Invitae), Labcorp); PubMed 30718709 (cited by 3 submitters); PubMed 33576794 (cited by 3 submitters); PubMed 32728228 (cited by Victorian Clinical Genetics Services, Murdoch Childrens Research Institute and Institute of Human Genetics, Univ. Regensburg, Univ. Regensburg); PubMed 31589614 (cited by Institute of Human Genetics, Univ. Regensburg, Univ. Regensburg); PubMed 31964843 (cited by Institute of Human Genetics, Univ. Regensburg, Univ. Regensburg); PubMed 31980526 (cited by Institute of Human Genetics, Univ. Regensburg, Univ. Regensburg); PubMed 32552793 (cited by Institute of Human Genetics, Univ. Regensburg, Univ. Regensburg); PubMed 31456290 (cited by Institute of Human Genetics, Univ. Regensburg, Univ. Regensburg and Women's Health and Genetics/Laboratory Corporation of America, LabCorp); PubMed 34426522 (cited by Institute of Human Genetics, Univ. Regensburg, Univ. Regensburg); PubMed 35272565 (cited by Institute of Human Genetics, Univ. Regensburg, Univ. Regensburg).